The following is an entry in ClinVar:

NM_006218.4(PIK3CA):c.1175A>G (p.Tyr392Cys)

Gene: PIK3CA (phosphatidylinositol-4,5-bisphosphate 3-kinase catalytic subunit alpha; plus strand). Cytogenetic location: 3q26.32.
Variant type: single nucleotide variant.
Coding change: c.1175A>G on transcript NM_006218.4 (MANE Select); coding-DNA position 1175, A replaced by G.
Protein change: p.Tyr392Cys; replaces tyrosine 392 with cysteine.
Molecular consequence: missense variant.
Genome position (GRCh38, 1-based): chr3:179,209,624, A>G. VCF-style: chr3-179209624-A-G. GRCh37 (hg19) VCF-style: chr3-178927412-A-G.
Other names: short protein forms Y392C.
Identifiers: ClinVar variation 2152288 (VCV002152288.4), dbSNP rs751673551, ClinGen allele CA2710670.

ClinVar aggregate classification (germline): Uncertain significance (1 of 4 stars; one submission).

Conditions:
Cowden syndrome (CS). Also called: Cowden's disease; Cowden's syndrome; Cowden disease. Identifiers: Orphanet 201, MedGen C0018553, MONDO:0016063. Disease mechanism: gain of function.

Allele frequency attached by ClinVar (database versions not stated): TOPMed below 0.00001; gnomAD 0.00001; ExAC 0.00002; gnomAD exomes 0.00002.
gnomAD v4.1: 27 of 1,610,912 alleles (0.0017%); highest among the groups gnomAD compares: South Asian, 0.0022%; no homozygotes.

Submission:

Labcorp Genetics (formerly Invitae), Labcorp
Classification: Uncertain significance for Cowden syndrome. Last evaluated: 2022-10-12. Review status: criteria provided, single submitter. Criteria: Invitae Variant Classification Sherloc (09022015). Collection method: clinical testing. Allele origin: germline.
Comment: This sequence change replaces tyrosine, which is neutral and polar, with cysteine, which is neutral and slightly polar, at codon 392 of the PIK3CA protein (p.Tyr392Cys). This variant is present in population databases (rs751673551, gnomAD 0.007%). This variant has not been reported in the literature in individuals affected with PIK3CA-related conditions. Advanced modeling of protein sequence and biophysical properties (such as structural, functional, and spatial information, amino acid conservation, physicochemical variation, residue mobility, and thermodynamic stability) has been performed at Invitae for this missense variant, however the output from this modeling did not meet the statistical confidence thresholds required to predict the impact of this variant on PIK3CA protein function. In summary, the available evidence is currently insufficient to determine the role of this variant in disease. Therefore, it has been classified as a Variant of Uncertain Significance.